The following is an entry in ClinVar:

ClinVar aggregate classification (germline): Likely benign. Review status: criteria provided, single submitter (1 of 4 stars). 2 submissions from 2 submitters: Likely benign (1). 1 of the submissions does not count toward it. Last evaluated 2022-10-26.

Conditions:
KIDINS220-related disorder. Also called: KIDINS220-related condition.

Allele frequency attached by ClinVar (database versions not stated): gnomAD exomes below 0.00001; ExAC 0.00001; gnomAD 0.00001; TOPMed 0.00002; ESP Exome Variant Server 0.00008.
gnomAD v4.1: 8 of 1,598,646 alleles (0.0005%); highest among the groups gnomAD compares: Middle Eastern, 0.017%; no homozygotes.

Submissions (2):

Labcorp Genetics (formerly Invitae), Labcorp
Classification: Likely benign. Last evaluated: 2022-10-26. Review status: criteria provided, single submitter. Criteria: Invitae Variant Classification Sherloc (09022015). Collection method: clinical testing. Allele origin: germline.

PreventionGenetics, part of Exact Sciences
Classification: Likely benign for KIDINS220-related condition. Last evaluated: 2021-12-17. Review status: no assertion criteria provided. Collection method: clinical testing. Allele origin: germline. Not counted in ClinVar's aggregate classification.
Comment: This variant is classified as likely benign based on ACMG/AMP sequence variant interpretation guidelines (Richards et al. 2015 PMID: 25741868, with internal and published modifications).

NM_020738.4(KIDINS220):c.2703+7T>C

Gene: KIDINS220 (kinase D interacting substrate 220; minus strand). Cytogenetic location: 2p25.1.
Variant type: single nucleotide variant.
Coding change: c.2703+7T>C on transcript NM_020738.4 (MANE Select); 7 bases into the intron after coding-DNA position 2703, T replaced by C.
Molecular consequence: intron variant.
Genome position (GRCh38, 1-based): chr2:8,778,632, A>G on the plus strand (T>C on the coding strand, the complement: KIDINS220 is on the minus strand). VCF-style: chr2-8778632-A-G. GRCh37 (hg19) VCF-style: chr2-8918762-A-G.
Other names: c.2703+7T>C (NM_001348741.2, NM_001348738.2, NM_001348742.2 and 4 more transcripts); c.2706+7T>C (NM_001348739.2, NM_001348740.2, NM_001348734.2 and 3 more transcripts); c.2577+7T>C (NM_001348736.2).
Identifiers: ClinVar variation 1937669 (VCV001937669.6), dbSNP rs368450887, ClinGen allele CA1519914.